The following is an entry in ClinVar:

ClinVar aggregate classification (germline): Uncertain significance. Review status: criteria provided, multiple submitters, no conflicts (2 of 4 stars). 2 submissions from 2 submitters: Uncertain significance (2). Last evaluated 2023-02-25.

Conditions:
Cardiovascular phenotype. Identifiers: MedGen CN230736.
Dilated cardiomyopathy 1AA (CMD1AA). Also called: CARDIOMYOPATHY, DILATED, 1AA, WITH OR WITHOUT LEFT VENTRICULAR NONCOMPACTION; CARDIOMYOPATHY, FAMILIAL HYPERTROPHIC, 23, WITH OR WITHOUT LEFT VENTRICULAR NONCOMPACTION; Cardiomyopathy, dilated, 1AA, with or without LVNC. Identifiers: Orphanet 154, MedGen C2677338, MONDO:0012808, OMIM 612158.
Primary familial hypertrophic cardiomyopathy (HCM). Identifiers: Orphanet 99739, MedGen C0949658, MeSH D024741, MONDO:0024573. Inheritance: Various modes of inheritance.

gnomAD v4.1: 1 of 1,614,142 alleles (0.000062%); highest among the groups gnomAD compares: Non-Finnish European, 0.000085%; no homozygotes.

Submissions (2):

Labcorp Genetics (formerly Invitae), Labcorp
Classification: Uncertain significance for Primary familial hypertrophic cardiomyopathy; Dilated cardiomyopathy 1AA. Last evaluated: 2023-02-25. Review status: criteria provided, single submitter. Criteria: Invitae Variant Classification Sherloc (09022015). Collection method: clinical testing. Allele origin: germline.
Comment: This variant has not been reported in the literature in individuals affected with ACTN2-related conditions. In summary, the available evidence is currently insufficient to determine the role of this variant in disease. Therefore, it has been classified as a Variant of Uncertain Significance. Advanced modeling of protein sequence and biophysical properties (such as structural, functional, and spatial information, amino acid conservation, physicochemical variation, residue mobility, and thermodynamic stability) performed at Invitae indicates that this missense variant is expected to disrupt ACTN2 protein function. ClinVar contains an entry for this variant (Variation ID: 1748910). This variant is not present in population databases (gnomAD no frequency). This sequence change replaces leucine, which is neutral and non-polar, with phenylalanine, which is neutral and non-polar, at codon 189 of the ACTN2 protein (p.Leu189Phe).

Ambry Genetics
Classification: Uncertain significance for Cardiovascular phenotype. Last evaluated: 2021-10-29. Review status: criteria provided, single submitter. Criteria: Ambry Variant Classification Scheme 2023. Collection method: clinical testing. Allele origin: germline.
Comment: The p.L189F variant (also known as c.565C>T), located in coding exon 6 of the ACTN2 gene, results from a C to T substitution at nucleotide position 565. The leucine at codon 189 is replaced by phenylalanine, an amino acid with highly similar properties. This amino acid position is conserved. In addition, this alteration is predicted to be deleterious by in silico analysis. Since supporting evidence is limited at this time, the clinical significance of this alteration remains unclear.

NM_001103.4(ACTN2):c.565C>T (p.Leu189Phe)

Gene: ACTN2 (actinin alpha 2; plus strand). Cytogenetic location: 1q43.
Variant type: single nucleotide variant.
Coding change: c.565C>T on transcript NM_001103.4 (MANE Select); coding-DNA position 565, C replaced by T.
Protein change: p.Leu189Phe; replaces leucine 189 with phenylalanine.
Molecular consequence: missense variant. On other transcripts: 5 prime UTR variant (1).
Genome position (GRCh38, 1-based): chr1:236,727,706, C>T. VCF-style: chr1-236727706-C-T. GRCh37 (hg19) VCF-style: chr1-236891006-C-T.
Other names: c.565C>T, p.Leu189Phe (NM_001278343.2); c.-257C>T (NM_001278344.2); c.-382C>T (NM_001412150.1); short protein forms L189F.
Identifiers: ClinVar variation 1748910 (VCV001748910.5), dbSNP rs772894420, ClinGen allele CA345375432.
Genomic context (GRCh38, chr1:236,727,706, plus strand): 5'-ACGTGTTCCTGTTCTTCTCGACGGCTGTGAAGCTGGAAAGATGGCCTTGGACTCTGTGCC[C>T]TCATCCACCGACACCGGCCTGACCTCATTGACTACTCAAAGCTTAACAAGGTTATTCTGG-3'
Protein context (NP_001094.1, residues 179-199): SWKDGLGLCA[Leu189Phe]IHRHRPDLID